The following is an entry in ClinVar:

ClinVar aggregate classification (germline): Conflicting classifications of pathogenicity. Review status: criteria provided, conflicting classifications (1 of 4 stars). 2 submissions from 2 submitters: Uncertain significance (1); Likely benign (1). Last evaluated 2023-12-07.

Conditions:
Atrial septal defect 2 (ASD2). Identifiers: Orphanet 1478, MedGen C1842778, MONDO:0011938, OMIM 607941.

gnomAD v4.1: 1 of 1,613,362 alleles (0.000062%); highest among the groups gnomAD compares: Non-Finnish European, 0.000085%; no homozygotes.

Submissions (2):

Blueprint Genetics
Classification: Likely benign. Last evaluated: 2023-12-07. Review status: criteria provided, single submitter. Criteria: ACMG Guidelines, 2015. Collection method: clinical testing. Allele origin: germline.

Centre for Mendelian Genomics, University Medical Centre Ljubljana
Classification: Uncertain significance for Atrial septal defect 2. Last evaluated: 2019-03-20. Review status: criteria provided, single submitter. Criteria: ACMG Guidelines, 2015. Collection method: clinical testing. Allele origin: unknown. Affected: yes.
Comment: This variant was classified as: Uncertain significance. The available evidence on this variant's pathogenicity is insufficient or conflicting. The following ACMG criteria were applied in classifying this variant: PM2,BP4.

NM_001308093.3(GATA4):c.786+16G>T

Gene: GATA4 (GATA binding protein 4). Cytogenetic location: 8p23.1.
Variant type: single nucleotide variant.
Coding change: c.786+16G>T on transcript NM_001308093.3 (MANE Select); 16 bases into the intron after coding-DNA position 786, G replaced by T.
Molecular consequence: intron variant.
Genome position (GRCh38, 1-based): chr8:11,749,101, G>T. VCF-style: chr8-11749101-G-T. GRCh37 (hg19) VCF-style: chr8-11606610-G-T.
Other names: c.165+16G>T (NM_001308094.2, NM_001374274.1, NM_001374273.1); c.783+16G>T (NM_002052.5).
Identifiers: ClinVar variation 930881 (VCV000930881.4), dbSNP rs200555437, ClinGen allele CA1139660369.